The following is an entry in ClinVar:

ClinVar aggregate classification (germline): Benign. Review status: criteria provided, multiple submitters, no conflicts (2 of 4 stars). 4 submissions from 4 submitters: Benign (4). Last evaluated 2026-02-04.

Conditions:
Osteopetrosis. Identifiers: Orphanet 2781, MedGen C0029454, MONDO:0017198, HP:0011002.
Disorder of bone. Also called: Rare bone disease related to a common gene or pathway defect; Bone disease; Bone disorder. Identifiers: Orphanet 364803, MedGen C0005940, MONDO:0005381.

Allele frequency attached by ClinVar (database versions not stated): 1000 Genomes Project 0.00499; 1000 Genomes Project 30x 0.00515; gnomAD 0.00988 and 0.01006; TOPMed 0.01012; ESP Exome Variant Server 0.01023.
gnomAD v4.1: 21,703 of 1,613,732 alleles (1.3%); highest among the groups gnomAD compares: Non-Finnish European, 1.6%; 182 homozygotes.

Submissions (4):

Labcorp Genetics (formerly Invitae), Labcorp
Classification: Benign. Last evaluated: 2026-02-04. Review status: criteria provided, single submitter. Criteria: Invitae Variant Classification Sherloc (09022015). Collection method: clinical testing. Allele origin: germline.

Genome Diagnostics Laboratory, The Hospital for Sick Children
Classification: Benign for Disorder of bone. Last evaluated: 2018-11-14. Review status: criteria provided, single submitter. Criteria: ACMG Guidelines, 2015. Collection method: clinical testing. Allele origin: germline. Affected: yes.
Comment: This synonymous variant is classified as Benign (ACMG criteria - BS1, BS2, BP6, BP4, BP7)

Illumina Laboratory Services, Illumina
Classification: Benign for Osteopetrosis. Last evaluated: 2018-01-12. Review status: criteria provided, single submitter. Criteria: ICSL Variant Classification Criteria 13 December 2019. Collection method: clinical testing. Allele origin: germline.
Comment: This variant was observed in the ICSL laboratory as part of a predisposition screen in an ostensibly healthy population. It had not been previously curated by ICSL or reported in the Human Gene Mutation Database (HGMD: prior to June 1st, 2018), and was therefore a candidate for classification through an automated scoring system. Utilizing variant allele frequency, disease prevalence and penetrance estimates, and inheritance mode, an automated score was calculated to assess if this variant is too frequent to cause the disease. Based on the score and internal cut-off values, a variant classified as benign is not then subjected to further curation. The score for this variant resulted in a classification of benign for this disease.

Breakthrough Genomics
Classification: Benign. Review status: criteria provided, single submitter. Criteria: ACMG Guidelines, 2015. Collection method: not provided. Allele origin: germline. Inheritance: Autosomal recessive inheritance. Affected: yes.

NM_001287.6(CLCN7):c.696C>T (p.Ser232=)

Gene: CLCN7 (Cl-/H+ antiporter 7; minus strand). Cytogenetic location: 16p13.3.
Variant type: single nucleotide variant.
Coding change: c.696C>T on transcript NM_001287.6 (MANE Select); coding-DNA position 696, C replaced by T.
Protein change: p.Ser232=; no amino-acid change (serine 232 retained).
Molecular consequence: synonymous variant.
Genome position (GRCh38, 1-based): chr16:1,457,736, G>A on the plus strand (C>T on the coding strand, the complement: CLCN7 is on the minus strand). VCF-style: chr16-1457736-G-A. GRCh37 (hg19) VCF-style: chr16-1507737-G-A.
Other names: c.624C>T, p.Ser208= (NM_001114331.3).
Identifiers: ClinVar variation 317957 (VCV000317957.20), dbSNP rs117183989, ClinGen allele CA7810635.